The following is an entry in ClinVar:

ClinVar aggregate classification (germline): Uncertain significance (1 of 4 stars; one submission).

Conditions:
Dilated cardiomyopathy 1W (CMD1W). Identifiers: Orphanet 154, MedGen C1969639, MONDO:0012667, OMIM 611407.

Allele frequency attached by ClinVar (database versions not stated): gnomAD exomes below 0.00001; gnomAD 0.00001.
gnomAD v4.1: 4 of 1,612,682 alleles (0.00025%); highest among the groups gnomAD compares: African/African-American, 0.004%; no homozygotes.

Submission:

Labcorp Genetics (formerly Invitae), Labcorp
Classification: Uncertain significance for Dilated cardiomyopathy 1W. Last evaluated: 2024-02-20. Review status: criteria provided, single submitter. Criteria: Invitae Variant Classification Sherloc (09022015). Collection method: clinical testing. Allele origin: germline.
Comment: This sequence change falls in intron 15 of the VCL gene. It does not directly change the encoded amino acid sequence of the VCL protein. It affects a nucleotide within the consensus splice site. This variant is not present in population databases (gnomAD no frequency). This variant has not been reported in the literature in individuals affected with VCL-related conditions. ClinVar contains an entry for this variant (Variation ID: 1045796). Variants that disrupt the consensus splice site are a relatively common cause of aberrant splicing (PMID: 17576681, 9536098). Algorithms developed to predict the effect of sequence changes on RNA splicing suggest that this variant is not likely to affect RNA splicing. In summary, the available evidence is currently insufficient to determine the role of this variant in disease. Therefore, it has been classified as a Variant of Uncertain Significance.

Literature cited by the submitters: PubMed 17576681; PubMed 9536098.

NM_014000.3(VCL):c.2131+5A>C

Gene: VCL (vinculin; plus strand). Cytogenetic location: 10q22.2.
Variant type: single nucleotide variant.
Coding change: c.2131+5A>C on transcript NM_014000.3 (MANE Select); 5 bases into the intron after coding-DNA position 2131, A replaced by C.
Molecular consequence: intron variant.
Genome position (GRCh38, 1-based): chr10:74,103,933, A>C. VCF-style: chr10-74103933-A-C. GRCh37 (hg19) VCF-style: chr10-75863691-A-C.
Other names: c.2131+5A>C (NM_003373.4).
Identifiers: ClinVar variation 1045796 (VCV001045796.8), dbSNP rs530413701, ClinGen allele CA209693657.
Genomic context (GRCh38, chr10:74,103,933, plus strand): 5'-TGAACATTTTGAGACCATGAAGAACCAGTGGATCGATAATGTTGAAAAAATGACAGGTAG[A>C]GTTTTCTATACAAATCTTGTTGTCTAATCCATGAAGAATGAGTTCTGAGAAATTGGAGCG-3'